The following is an entry in ClinVar:

NM_000161.3(GCH1):c.163G>A (p.Gly55Ser)

Gene: GCH1 (GTP cyclohydrolase 1; minus strand). Cytogenetic location: 14q22.2.
Variant type: single nucleotide variant.
Coding change: c.163G>A on transcript NM_000161.3 (MANE Select); coding-DNA position 163, G replaced by A.
Protein change: p.Gly55Ser; replaces glycine 55 with serine.
Molecular consequence: missense variant.
Genome position (GRCh38, 1-based): chr14:54,902,501, C>T on the plus strand (G>A on the coding strand, the complement: GCH1 is on the minus strand). VCF-style: chr14-54902501-C-T. GRCh37 (hg19) VCF-style: chr14-55369219-C-T.
Other names: c.163G>A, p.Gly55Ser (NM_001024024.2, NM_001024070.2, NM_001024071.2); short protein forms G55S.
Identifiers: ClinVar variation 1384269 (VCV001384269.5), dbSNP rs2140127419, ClinGen allele CA389794106.

ClinVar aggregate classification (germline): Uncertain significance (1 of 4 stars; one submission).

Conditions:
GTP cyclohydrolase I deficiency. Identifiers: MedGen C0268467, MONDO:0100184.
Dystonia 5 (DRD). Also called: Dystonia, DOPA-responsive, with or without hyperphenylalaninemia; GTP Cyclohydrolase 1-Deficient Dopa-Responsive Dystonia; DYSTONIA, PROGRESSIVE, WITH DIURNAL VARIATION; DYSTONIA-PARKINSONISM WITH DIURNAL FLUCTUATION; DYT-GCH1. Identifiers: Orphanet 98808, MedGen C1851920, MONDO:0007495, OMIM 128230.

Submission:

Labcorp Genetics (formerly Invitae), Labcorp
Classification: Uncertain significance for GTP cyclohydrolase I deficiency; Dystonia 5. Last evaluated: 2021-09-24. Review status: criteria provided, single submitter. Criteria: Invitae Variant Classification Sherloc (09022015). Collection method: clinical testing. Allele origin: germline.
Comment: This sequence change replaces glycine with serine at codon 55 of the GCH1 protein (p.Gly55Ser). The glycine residue is weakly conserved and there is a small physicochemical difference between glycine and serine. This variant is not present in population databases (ExAC no frequency). This variant has not been reported in the literature in individuals with GCH1-related conditions. Advanced modeling of protein sequence and biophysical properties (such as structural, functional, and spatial information, amino acid conservation, physicochemical variation, residue mobility, and thermodynamic stability) performed at Invitae indicates that this missense variant is not expected to disrupt GCH1 protein function. In summary, the available evidence is currently insufficient to determine the role of this variant in disease. Therefore, it has been classified as a Variant of Uncertain Significance.